The following is an entry in ClinVar:

NM_020338.4(ZMIZ1):c.840_851dup (p.Ala287_Val288insAlaAlaAlaAla)

Gene: ZMIZ1 (zinc finger MIZ-type containing 1; plus strand). Cytogenetic location: 10q22.3.
Variant type: Duplication.
Coding change: c.840_851dup on transcript NM_020338.4 (MANE Select); coding-DNA positions 840 to 851, 12 bases duplicated (GGCAGCCGCTGC).
Protein change: p.Ala287_Val288insAlaAlaAlaAla.
Molecular consequence: inframe insertion.
Genome position (GRCh38, 1-based): chr10:79,292,239-79,292,250, GGCAGCCGCTGC duplicated; duplicating any 12 consecutive bases within chr10:79,292,237-79,292,250 gives the same sequence; the c. name uses the placement nearest the transcript's 3' end. VCF-style (leftmost placement, unchanged base first): chr10-79292236-C-CGCGGCAGCCGCT. GRCh37 (hg19) VCF-style: chr10-81051993-C-CGCGGCAGCCGCT.
Identifiers: ClinVar variation 1703417 (VCV001703417.2), dbSNP rs2493829850, ClinGen allele CA2580082023.

ClinVar aggregate classification (germline): Uncertain significance (1 of 4 stars; one submission).

Submission:

GeneDx
Classification: Uncertain significance. Last evaluated: 2022-02-24. Review status: criteria provided, single submitter. Criteria: GeneDx Variant Classification Process June 2021. Collection method: clinical testing. Allele origin: germline. Affected: yes.
Comment: Not observed at significant frequency in large population cohorts (gnomAD); In-frame duplication of 4 amino acids in a repetitive region with no known function; Has not been previously published as pathogenic or benign to our knowledge